The following is an entry in ClinVar:

ClinVar aggregate classification (germline): Uncertain significance (1 of 4 stars; one submission).

gnomAD v4.1: 2 of 1,559,634 alleles (0.00013%); highest among the groups gnomAD compares: South Asian, 0.0012%; no homozygotes.

Submission:

Labcorp Genetics (formerly Invitae), Labcorp
Classification: Uncertain significance. Last evaluated: 2025-02-19. Review status: criteria provided, single submitter. Criteria: Invitae Variant Classification Sherloc (09022015). Collection method: clinical testing. Allele origin: germline.
Comment: This sequence change replaces threonine, which is neutral and polar, with alanine, which is neutral and non-polar, at codon 869 of the CACNA2D4 protein (p.Thr869Ala). This variant is not present in population databases (gnomAD no frequency). This variant has not been reported in the literature in individuals affected with CACNA2D4-related conditions. An algorithm developed to predict the effect of missense changes on protein structure and function (PolyPhen-2) suggests that this variant is likely to be tolerated. In summary, the available evidence is currently insufficient to determine the role of this variant in disease. Therefore, it has been classified as a Variant of Uncertain Significance.

NM_172364.5(CACNA2D4):c.2605A>G (p.Thr869Ala)

Gene: CACNA2D4 (calcium voltage-gated channel auxiliary subunit alpha2delta 4; minus strand). Cytogenetic location: 12p13.33.
Variant type: single nucleotide variant.
Coding change: c.2605A>G on transcript NM_172364.5 (MANE Select); coding-DNA position 2605, A replaced by G.
Protein change: p.Thr869Ala; replaces threonine 869 with alanine.
Molecular consequence: missense variant.
Genome position (GRCh38, 1-based): chr12:1,811,670, T>C on the plus strand (A>G on the coding strand, the complement: CACNA2D4 is on the minus strand). VCF-style: chr12-1811670-T-C. GRCh37 (hg19) VCF-style: chr12-1920836-T-C.
Other names: short protein forms T869A.
Identifiers: ClinVar variation 4771800 (VCV004771800.1).